The following is an entry in ClinVar:

NM_015374.3(SUN2):c.320C>G (p.Thr107Arg)

Gene: SUN2 (Sad1 and UNC84 domain containing 2; minus strand). Cytogenetic location: 22q13.1.
Variant type: single nucleotide variant.
Coding change: c.320C>G on transcript NM_015374.3 (MANE Select); coding-DNA position 320, C replaced by G.
Protein change: p.Thr107Arg; replaces threonine 107 with arginine.
Molecular consequence: missense variant. On other transcripts: intron variant (4).
Genome position (GRCh38, 1-based): chr22:38,751,002, G>C on the plus strand (C>G on the coding strand, the complement: SUN2 is on the minus strand). VCF-style: chr22-38751002-G-C. GRCh37 (hg19) VCF-style: chr22-39147007-G-C.
Other names: c.320C>G, p.Thr107Arg (NM_001199579.2, NM_001199580.2, NM_001394427.1 and 11 more transcripts); c.365C>G, p.Thr122Arg (NM_001394429.1, NM_001394430.1); c.230C>G, p.Thr77Arg (NM_001394438.1); c.122+1505C>G (NM_001394443.1); c.286+208C>G (NM_001394439.1, NM_001394441.1, NM_001394440.1); short protein forms T77R, T107R, T122R.
Identifiers: ClinVar variation 1512698 (VCV001512698.6), dbSNP rs775966191, ClinGen allele CA411586872.

ClinVar aggregate classification (germline): Uncertain significance (1 of 4 stars; one submission).

Conditions:
Emery-Dreifuss muscular dystrophy (EDMD). Also called: Scapuloperoneal syndrome, X-linked (formerly); Humeroperoneal neuromuscular disease, (formerly). Identifiers: Orphanet 261, MedGen C0410189, MONDO:0016830.

gnomAD v4.1: 1 of 1,613,648 alleles (0.000062%); highest among the groups gnomAD compares: Non-Finnish European, 0.000085%; no homozygotes.

Submission:

Labcorp Genetics (formerly Invitae), Labcorp
Classification: Uncertain significance for Emery-Dreifuss muscular dystrophy. Last evaluated: 2021-12-29. Review status: criteria provided, single submitter. Criteria: Invitae Variant Classification Sherloc (09022015). Collection method: clinical testing. Allele origin: germline.
Comment: In summary, the available evidence is currently insufficient to determine the role of this variant in disease. Therefore, it has been classified as a Variant of Uncertain Significance. Algorithms developed to predict the effect of missense changes on protein structure and function are either unavailable or do not agree on the potential impact of this missense change (SIFT: "Tolerated"; PolyPhen-2: "Probably Damaging"; Align-GVGD: "Class C0"). This variant has not been reported in the literature in individuals affected with SUN2-related conditions. This variant is not present in population databases (gnomAD no frequency). This sequence change replaces threonine, which is neutral and polar, with arginine, which is basic and polar, at codon 107 of the SUN2 protein (p.Thr107Arg).